The following is an entry in ClinVar:

NM_007118.4(TRIO):c.5594A>G (p.Asp1865Gly)

Gene: TRIO (trio Rho guanine nucleotide exchange factor; plus strand). Cytogenetic location: 5p15.2.
Variant type: single nucleotide variant.
Coding change: c.5594A>G on transcript NM_007118.4 (MANE Select); coding-DNA position 5594, A replaced by G.
Protein change: p.Asp1865Gly; replaces aspartic acid 1865 with glycine.
Molecular consequence: missense variant. On other transcripts: non-coding transcript variant (1).
Genome position (GRCh38, 1-based): chr5:14,462,852, A>G. VCF-style: chr5-14462852-A-G. GRCh37 (hg19) VCF-style: chr5-14462961-A-G.
Other names: short protein forms D1865G.
Identifiers: ClinVar variation 3973809 (VCV003973809.3).

ClinVar aggregate classification (germline): Uncertain significance. Review status: criteria provided, multiple submitters, no conflicts (2 of 4 stars). 2 submissions from 2 submitters: Uncertain significance (2). Last evaluated 2026-08-12.

Conditions:
Inborn genetic diseases. Identifiers: MedGen C0950123, MeSH D030342.

Submissions (2):

GeneDx
Classification: Uncertain significance. Last evaluated: 2026-08-12. Review status: criteria provided, single submitter. Criteria: GeneDx Variant Classification Process June 2021. Collection method: clinical testing. Allele origin: germline.
Comment: Not observed at significant frequency in large population cohorts (gnomAD); In silico analysis supports that this missense variant has a deleterious effect on protein structure/function; Has not been previously published as pathogenic or benign to our knowledge

Ambry Genetics
Classification: Uncertain significance for Inborn genetic diseases. Last evaluated: 2025-04-10. Review status: criteria provided, single submitter. Criteria: Ambry Variant Classification Scheme 2023. Collection method: clinical testing. Allele origin: germline.